The following is an entry in ClinVar:

ClinVar aggregate classification (germline): Uncertain significance (1 of 4 stars; one submission).

Conditions:
Cardiovascular phenotype. Identifiers: MedGen CN230736.

Allele frequency attached by ClinVar (database versions not stated): ExAC 0.00001.
gnomAD v4.1: 5 of 1,614,254 alleles (0.00031%); highest among the groups gnomAD compares: Non-Finnish European, 0.00042%; no homozygotes.

Submission:

Ambry Genetics
Classification: Uncertain significance for Cardiovascular phenotype. Last evaluated: 2023-10-20. Review status: criteria provided, single submitter. Criteria: Ambry Variant Classification Scheme 2023. Collection method: clinical testing. Allele origin: germline.
Comment: The p.S1071C variant (also known as c.3212C>G), located in coding exon 21 of the TRPM4 gene, results from a C to G substitution at nucleotide position 3212. The serine at codon 1071 is replaced by cysteine, an amino acid with dissimilar properties. This amino acid position is conserved. In addition, this alteration is predicted to be tolerated by in silico analysis. Since supporting evidence is limited at this time, the clinical significance of this alteration remains unclear.

NM_017636.4(TRPM4):c.3212C>G (p.Ser1071Cys)

Gene: TRPM4 (transient receptor potential cation channel subfamily M member 4; plus strand). Cytogenetic location: 19q13.33.
Variant type: single nucleotide variant.
Coding change: c.3212C>G on transcript NM_017636.4 (MANE Select); coding-DNA position 3212, C replaced by G.
Protein change: p.Ser1071Cys; replaces serine 1071 with cysteine.
Molecular consequence: missense variant.
Genome position (GRCh38, 1-based): chr19:49,210,289, C>G. VCF-style: chr19-49210289-C-G. GRCh37 (hg19) VCF-style: chr19-49713546-C-G.
Other names: c.2777C>G, p.Ser926Cys (NM_001195227.2); c.2867C>G, p.Ser956Cys (NM_001321281.2); c.1604C>G, p.Ser535Cys (NM_001321282.2); c.2690C>G, p.Ser897Cys (NM_001321283.2); c.2150C>G, p.Ser717Cys (NM_001321285.2); short protein forms S1071C, S535C, S717C, S897C, S926C, S956C.
Identifiers: ClinVar variation 3227022 (VCV003227022.1), dbSNP rs755721924, ClinGen allele CA9569814.
Genomic context (GRCh38, chr19:49,210,289, plus strand): 5'-AGGGCAACAGCGATCTCTACTGGAAGGCGCAGCGTTACCGCCTCATCCGGGAATTCCACT[C>G]TCGGCCCGCGCTGGCCCCGCCCTTTATCGTCATCTCCCACTTGCGCCTCCTGCTCAGGCA-3'
Protein context (NP_060106.2, residues 1061-1081): QRYRLIREFH[Ser1071Cys]RPALAPPFIV